The following is an entry in ClinVar:

NM_017999.5(RNF31):c.1590C>T (p.Tyr530=)

Gene: RNF31 (ring finger protein 31; plus strand). Cytogenetic location: 14q12.
Variant type: single nucleotide variant.
Coding change: c.1590C>T on transcript NM_017999.5 (MANE Select); coding-DNA position 1590, C replaced by T.
Protein change: p.Tyr530=; no amino-acid change (tyrosine 530 retained).
Molecular consequence: synonymous variant.
Genome position (GRCh38, 1-based): chr14:24,151,232, C>T. VCF-style: chr14-24151232-C-T. GRCh37 (hg19) VCF-style: chr14-24620441-C-T.
Other names: c.1137C>T, p.Tyr379= (NM_001310332.2).
Identifiers: ClinVar variation 1602502 (VCV001602502.32), dbSNP rs758329161, ClinGen allele CA7125830.
Genomic context (GRCh38, chr14:24,151,232, plus strand): 5'-GGCTCTGCAGTACTCGGGCACTGAGGTGCCTCTGCAGTGGTTGCGCTCAGAACTGCCCTA[C>T]GTCCTGGAGATGGTGGCTGAGCTGGCTGGACAGCAGGACCCTGGGCTGGGTGCCTTTTCC-3'
Protein context (NP_060469.4, residues 520-540): PLQWLRSELP[Tyr530=]VLEMVAELAG

ClinVar aggregate classification (germline): Likely benign. Review status: criteria provided, multiple submitters, no conflicts (2 of 4 stars). 2 submissions from 2 submitters: Likely benign (2). Last evaluated 2026-01-21.

Allele frequency attached by ClinVar (database versions not stated): gnomAD 0.00001 and 0.00003; TOPMed 0.00003; ExAC 0.00005; gnomAD exomes 0.00006.
gnomAD v4.1: 95 of 1,614,094 alleles (0.0059%); highest among the groups gnomAD compares: East Asian, 0.15%; no homozygotes.

Submissions (2):

Labcorp Genetics (formerly Invitae), Labcorp
Classification: Likely benign. Last evaluated: 2026-01-21. Review status: criteria provided, single submitter. Criteria: Invitae Variant Classification Sherloc (09022015). Collection method: clinical testing. Allele origin: germline.

CeGaT Center for Human Genetics Tuebingen
Classification: Likely benign. Last evaluated: 2022-08-01. Review status: criteria provided, single submitter. Criteria: CeGaT Center For Human Genetics Tuebingen Variant Classification Criteria Version 2. Collection method: clinical testing. Allele origin: germline. Affected: yes. Observed: 1 variant allele.
Comment: RNF31: BP4, BP7